The following is an entry in ClinVar:

ClinVar aggregate classification (germline): Uncertain significance (1 of 4 stars; one submission).

Conditions:
Severe combined immunodeficiency due to IKK2 deficiency. Also called: IMMUNODEFICIENCY 15B; Immunodeficiency 15. Identifiers: Orphanet 397787, MedGen C4747743, MONDO:0014267, OMIM 615592.

Submission:

Labcorp Genetics (formerly Invitae), Labcorp
Classification: Uncertain significance for Severe combined immunodeficiency due to IKK2 deficiency. Last evaluated: 2025-10-29. Review status: criteria provided, single submitter. Criteria: Invitae Variant Classification Sherloc (09022015). Collection method: clinical testing. Allele origin: germline.
Comment: This variant, c.2260_2262dup, results in the insertion of 1 amino acid(s) of the IKBKB protein (p.Gln754dup), but otherwise preserves the integrity of the reading frame. This variant is present in population databases (rs774003018, gnomAD 0.003%). This variant has not been reported in the literature in individuals affected with IKBKB-related conditions. ClinVar contains an entry for this variant (Variation ID: 1990641). In summary, the available evidence is currently insufficient to determine the role of this variant in disease. Therefore, it has been classified as a Variant of Uncertain Significance.

NM_001556.3(IKBKB):c.2260_2262dup (p.Gln754_Ala755insGln)

Gene: IKBKB (inhibitor of nuclear factor kappa B kinase subunit beta; plus strand). Cytogenetic location: 8p11.21.
Variant type: Duplication.
Coding change: c.2260_2262dup on transcript NM_001556.3 (MANE Select); coding-DNA positions 2260 to 2262, 3 bases duplicated (CAG; older notation c.2260_2262dupCAG).
Protein change: p.Gln754_Ala755insGln.
Molecular consequence: inframe insertion. On other transcripts: non-coding transcript variant (3).
Genome position (GRCh38, 1-based): chr8:42,330,968-42,330,970, CAG duplicated; duplicating any 3 consecutive bases within chr8:42,330,966-42,330,970 gives the same sequence; the c. name uses the placement nearest the transcript's 3' end. VCF-style (leftmost placement, unchanged base first): chr8-42330965-G-GAGC. GRCh37 (hg19) VCF-style: chr8-42188483-G-GAGC.
Other names: c.2068_2070dup, p.Gln690_Ala691insGln (NM_001190720.3); c.2083_2085dup, p.Gln695_Ala696insGln (NM_001242778.2).
Identifiers: ClinVar variation 1990641 (VCV001990641.3), dbSNP rs774003018, ClinGen allele CA4732240.